The following is an entry in ClinVar:

NM_001042472.3(ABHD12):c.783G>T (p.Glu261Asp)

Gene: ABHD12 (abhydrolase domain containing 12, lysophospholipase; minus strand). Cytogenetic location: 20p11.21.
Variant type: single nucleotide variant.
Coding change: c.783G>T on transcript NM_001042472.3 (MANE Select); coding-DNA position 783, G replaced by T.
Protein change: p.Glu261Asp; replaces glutamic acid 261 with aspartic acid.
Molecular consequence: missense variant.
Genome position (GRCh38, 1-based): chr20:25,308,461, C>A on the plus strand (G>T on the coding strand, the complement: ABHD12 is on the minus strand). VCF-style: chr20-25308461-C-A. GRCh37 (hg19) VCF-style: chr20-25289097-C-A.
Other names: c.783G>T, p.Glu261Asp (NM_015600.5); c.783G>T (NM_001042472.2); short protein forms E261D.
Identifiers: ClinVar variation 809238 (VCV000809238.46), dbSNP rs375996835, ClinGen allele CA9796003.

ClinVar aggregate classification (germline): Uncertain significance. Review status: criteria provided, multiple submitters, no conflicts (2 of 4 stars). 3 submissions from 3 submitters: Uncertain significance (3). Last evaluated 2022-09-28.

Conditions:
Inborn genetic diseases. Identifiers: MedGen C0950123, MeSH D030342.

Allele frequency attached by ClinVar (database versions not stated): ExAC 0.00001; gnomAD exomes 0.00002; TOPMed 0.00002; gnomAD 0.00003; ESP Exome Variant Server 0.00008.
gnomAD v4.1: 30 of 1,611,660 alleles (0.0019%); highest among the groups gnomAD compares: Non-Finnish European, 0.0025%; no homozygotes.

Submissions (3):

Labcorp Genetics (formerly Invitae), Labcorp
Classification: Uncertain significance. Last evaluated: 2022-09-28. Review status: criteria provided, single submitter. Criteria: Invitae Variant Classification Sherloc (09022015). Collection method: clinical testing. Allele origin: germline.
Comment: This sequence change replaces glutamic acid, which is acidic and polar, with aspartic acid, which is acidic and polar, at codon 261 of the ABHD12 protein (p.Glu261Asp). This variant is present in population databases (rs375996835, gnomAD 0.004%). This variant has not been reported in the literature in individuals affected with ABHD12-related conditions. ClinVar contains an entry for this variant (Variation ID: 809238). Algorithms developed to predict the effect of missense changes on protein structure and function (SIFT, PolyPhen-2, Align-GVGD) all suggest that this variant is likely to be tolerated. In summary, the available evidence is currently insufficient to determine the role of this variant in disease. Therefore, it has been classified as a Variant of Uncertain Significance.

Ambry Genetics
Classification: Uncertain significance for Inborn genetic diseases. Last evaluated: 2021-11-15. Review status: criteria provided, single submitter. Criteria: Ambry Variant Classification Scheme 2023. Collection method: clinical testing. Allele origin: germline.

CeGaT Center for Human Genetics Tuebingen
Classification: Uncertain significance. Last evaluated: 2016-06-01. Review status: criteria provided, single submitter. Criteria: CeGaT Center For Human Genetics Tuebingen Variant Classification Criteria Version 2. Collection method: clinical testing. Allele origin: germline. Affected: yes. Observed: 1 variant allele.